The following is an entry in ClinVar:

NM_004998.4(MYO1E):c.2106A>G (p.Ile702Met)

Gene: MYO1E (myosin IE; minus strand). Cytogenetic location: 15q22.2.
Variant type: single nucleotide variant.
Coding change: c.2106A>G on transcript NM_004998.4 (MANE Select); coding-DNA position 2106, A replaced by G.
Protein change: p.Ile702Met; replaces isoleucine 702 with methionine.
Molecular consequence: missense variant.
Genome position (GRCh38, 1-based): chr15:59,174,184, T>C on the plus strand (A>G on the coding strand, the complement: MYO1E is on the minus strand). VCF-style: chr15-59174184-T-C. GRCh37 (hg19) VCF-style: chr15-59466383-T-C.
Other names: short protein forms I702M.
Identifiers: ClinVar variation 1717016 (VCV001717016.5), dbSNP rs754105766, ClinGen allele CA7589360.

ClinVar aggregate classification (germline): Uncertain significance (1 of 4 stars; one submission).

Allele frequency attached by ClinVar (database versions not stated): gnomAD exomes below 0.00001; ExAC 0.00001.
gnomAD v4.1: 1 of 1,614,142 alleles (0.000062%); highest among the groups gnomAD compares: Non-Finnish European, 0.000085%; no homozygotes.

Submission:

Labcorp Genetics (formerly Invitae), Labcorp
Classification: Uncertain significance. Last evaluated: 2022-07-17. Review status: criteria provided, single submitter. Criteria: Invitae Variant Classification Sherloc (09022015). Collection method: clinical testing. Allele origin: germline.
Comment: This sequence change replaces isoleucine, which is neutral and non-polar, with methionine, which is neutral and non-polar, at codon 702 of the MYO1E protein (p.Ile702Met). This variant is present in population databases (rs754105766, gnomAD 0.0009%). This variant has not been reported in the literature in individuals affected with MYO1E-related conditions. Algorithms developed to predict the effect of missense changes on protein structure and function are either unavailable or do not agree on the potential impact of this missense change (SIFT: "Deleterious"; PolyPhen-2: "Probably Damaging"; Align-GVGD: "Class C0"). In summary, the available evidence is currently insufficient to determine the role of this variant in disease. Therefore, it has been classified as a Variant of Uncertain Significance.